The following is an entry in ClinVar:

NM_005732.4(RAD50):c.129+2T>C

Gene: RAD50 (RAD50 double strand break repair protein; plus strand). Cytogenetic location: 5q31.1.
Variant type: single nucleotide variant.
Coding change: c.129+2T>C on transcript NM_005732.4 (MANE Select); the canonical splice donor site of the intron after coding-DNA position 129, T replaced by C.
Molecular consequence: splice donor variant.
Genome position (GRCh38, 1-based): chr5:132,557,455, T>C. VCF-style: chr5-132557455-T-C. GRCh37 (hg19) VCF-style: chr5-131893147-T-C.
Other names: c.129+2T>C (NM_005732.3).
Identifiers: ClinVar variation 2812984 (VCV002812984.6), dbSNP rs748086984, ClinGen allele CA360952047.

ClinVar aggregate classification (germline): Likely pathogenic. Review status: criteria provided, multiple submitters, no conflicts (2 of 4 stars). 3 submissions from 3 submitters: Likely pathogenic (3). Last evaluated 2026-09-14.

Conditions:
Familial cancer of breast. Also called: Hereditary breast cancer; BREAST CANCER, FAMILIAL; hereditary breast carcinoma. Identifiers: Orphanet 227535, MedGen C0346153, MONDO:0016419, OMIM 114480. Disease mechanism: loss of function.
RAD50-related disorder. Also called: RAD50-related condition.
Hereditary cancer-predisposing syndrome. Also called: Hereditary neoplastic syndrome; Hereditary Cancer Syndrome; Tumor predisposition; Neoplastic Syndromes, Hereditary. Identifiers: Orphanet 140162, MedGen C0027672, MeSH D009386, MONDO:0015356.

Submissions (3):

PreventionGenetics, part of Exact Sciences
Classification: Likely pathogenic for RAD50-related condition. Last evaluated: 2026-09-14. Review status: criteria provided, single submitter. Criteria: ACMG Guidelines, 2015. Collection method: clinical testing. Allele origin: germline.
Comment: The RAD50 c.129+2T>C variant is predicted to disrupt the GT donor site and interfere with normal splicing. To our knowledge, this variant has not been reported in the literature or in a large population database, indicating this variant is rare. Variants that disrupt the consensus splice donor site in RAD50 are expected to be pathogenic. This variant is interpreted as likely pathogenic.

KCCC/NGS Laboratory, Kuwait Cancer Control Center
Classification: Likely pathogenic for Familial cancer of breast. Last evaluated: 2024-05-27. Review status: criteria provided, single submitter. Criteria: ACMG Guidelines, 2015. Collection method: clinical testing. Allele origin: germline. Inheritance: Autosomal dominant inheritance. Affected: yes. Observed: 1 heterozygote.
Comment: This sequence change affects a donor splice site in intron 1 of the RAD50 gene. It is expected to disrupt RNA splicing. Variants that disrupt the donor or acceptor splice site typically lead to a loss of protein function (PMID: 16199547), and loss-of-function variants in RAD50 are known to be pathogenic (PMID: 19409520). This position is highly conservative (PhyloP=7.52) This variant is not present in population databases (gnomAD no frequency). This variant has not been reported in the literature in individuals affected with RAD50-related conditions.ClinVar database (ClinVar:2812984) classified this variant as likely pathogenic reported by single submitter. In-silico predictions show pathogenic computational verdict and suspect it's deleterious effect . In summary, the currently available evidence indicates that the variant is pathogenic, but additional data are needed to prove that conclusively. Therefore, this variant has been classified as Likely Pathogenic. RAD50 germline mutations have unfavourable survival and considered as as potential prognostic marker of breast cancer in BRCA1/2-negative breast cancer patients .

Labcorp Genetics (formerly Invitae), Labcorp
Classification: Likely pathogenic for Hereditary cancer-predisposing syndrome. Last evaluated: 2023-09-27. Review status: criteria provided, single submitter. Criteria: Invitae Variant Classification Sherloc (09022015). Collection method: clinical testing. Allele origin: germline.
Comment: This sequence change affects a donor splice site in intron 1 of the RAD50 gene. It is expected to disrupt RNA splicing. Variants that disrupt the donor or acceptor splice site typically lead to a loss of protein function (PMID: 16199547), and loss-of-function variants in RAD50 are known to be pathogenic (PMID: 19409520). This variant is not present in population databases (gnomAD no frequency). This variant has not been reported in the literature in individuals affected with RAD50-related conditions. Algorithms developed to predict the effect of sequence changes on RNA splicing suggest that this variant may disrupt the consensus splice site. In summary, the currently available evidence indicates that the variant is pathogenic, but additional data are needed to prove that conclusively. Therefore, this variant has been classified as Likely Pathogenic.

Literature cited by the submitters: PubMed 16199547 (cited by Labcorp Genetics (formerly Invitae), Labcorp); PubMed 19409520 (cited by Labcorp Genetics (formerly Invitae), Labcorp).